The following is an entry in ClinVar:

NM_005379.4(MYO1A):c.1928G>A (p.Arg643Gln)

Gene: MYO1A (myosin IA; minus strand). Cytogenetic location: 12q13.3.
Variant type: single nucleotide variant.
Coding change: c.1928G>A on transcript NM_005379.4 (MANE Select); coding-DNA position 1928, G replaced by A.
Protein change: p.Arg643Gln; replaces arginine 643 with glutamine.
Molecular consequence: missense variant.
Genome position (GRCh38, 1-based): chr12:57,037,902, C>T on the plus strand (G>A on the coding strand, the complement: MYO1A is on the minus strand). VCF-style: chr12-57037902-C-T. GRCh37 (hg19) VCF-style: chr12-57431686-C-T.
Other names: c.1928G>A, p.Arg643Gln (NM_001256041.2); short protein forms R643Q.
Identifiers: ClinVar variation 164589 (VCV000164589.4), dbSNP rs200450661, ClinGen allele CA177303.

ClinVar aggregate classification (germline): Likely benign (1 of 4 stars; one submission).

Allele frequency attached by ClinVar (database versions not stated): ExAC 0.00002; gnomAD exomes 0.00003 and 0.00004; gnomAD 0.00004 and 0.00005; TOPMed 0.00005; ESP Exome Variant Server 0.00008; 1000 Genomes Project 30x 0.00016; 1000 Genomes Project 0.00020.
gnomAD v4.1: 65 of 1,614,152 alleles (0.004%); highest among the groups gnomAD compares: Middle Eastern, 0.05%; no homozygotes.

Submission:

Laboratory for Molecular Medicine, Mass General Brigham Personalized Medicine
Classification: Likely benign. Last evaluated: 2014-11-18. Review status: criteria provided, single submitter. Criteria: LMM Criteria. Collection method: clinical testing. Allele origin: germline. Observed: 1 variant allele.
Comment: p.Arg643Gln in exon 18 of MYO1A: This variant is not expected to have clinical significance because the arginine (Arg) residue at position 643 is not conserved in mammals or across species, with guinea pig and rabbit having a glutamine (Gl n). In addition, recent evidence has disqualified an association between variant s in the MYO1A gene and hearing loss (Eisenberger 2014). This variant has also been identified in 0.5% (1/192) of Kenyan chromosomes by the 1000 Genomes Projec t (rs200450661).

Literature cited by the submitters: PubMed 24616153.